The following is an entry in ClinVar:

ClinVar aggregate classification (germline): Uncertain significance (1 of 4 stars; one submission).

Conditions:
Tuberous sclerosis 2 (TSC2). Identifiers: Orphanet 805, MedGen C1860707, MONDO:0013199, OMIM 613254.

Submission:

Diagnostics Services (NGS), CSIR - Centre For Cellular And Molecular Biology
Classification: Uncertain significance for Tuberous sclerosis 2. Last evaluated: 2026-11-16. Review status: criteria provided, single submitter. Criteria: ACMG Guidelines, 2015. Collection method: clinical testing. Allele origin: unknown. Affected: yes. Observed: 1 variant allele, 1 heterozygote.
Comment: The c.3833dup variant is not present in publicly available population databases like 1000 Genomes, EVS, ExAC, gnomAD, Indian Exome Database or our in-house exome database. This variant has neither been published in literature with TSC2-related conditions nor reported to the clinical databases like Human Genome Mutation Database (HGMD), ClinVar or OMIM, in any affected individuals. In-silico pathogenicity prediction programs like MutationTaster2, CADD, Varsome, Franklin etc predicted this variant to be likely deleterious. This variant causes frameshift at the 1279th position of the original transcript that creates a premature translational stop signal at the altered transcript that may either result in translation of a truncated protein or cause nonsense mediated decay of the mRNA however at present this variant's clinical significance is uncertain as it is located in the exon 32 of TSC2 gene which is an alternatively spliced, in-frame exon. Multiple studies including RT-PCR and RNA-seq analyses across healthy controls and patients demonstrate that TSC2 transcripts naturally skip exon 32 at substantial levels without causing Tuberous Sclerosis Complex. Because the skipping of exon 32 preserves the reading frame and yields a functional tuberin protein isoform, truncating or splice-site variants restricted to this exon can be bypassed by natural alternative splicing [PMID:26703369]. Hence the variant has been classified as Uncertain Significance as per the ACMG guidelines [PMID:30192042].

Literature cited by the submitters: PubMed 30192042; PubMed 26703369.

NM_000548.5(TSC2):c.3833dup (p.Tyr1279fs)

Gene: TSC2 (TSC complex subunit 2; plus strand). Cytogenetic location: 16p13.3.
Variant type: Duplication.
Coding change: c.3833dup on transcript NM_000548.5 (MANE Select); coding-DNA position 3833, one base duplicated (T; older notation c.3833dupT).
Protein change: p.Tyr1279fs; shifts the reading frame from tyrosine 1279.
Molecular consequence: frameshift variant. On other transcripts: non-coding transcript variant (1), intron variant (33).
Genome position (GRCh38, 1-based): chr16:2,082,454, T duplicated. VCF-style (leftmost placement, unchanged base first): chr16-2082453-C-CT. GRCh37 (hg19) VCF-style: chr16-2132454-C-CT.
Other names: c.3101dup, p.Tyr1035fs (NM_001318831.2); c.3701dup, p.Tyr1235fs (NM_001370404.1, NM_001406665.1); c.3704dup, p.Tyr1236fs (NM_001370405.1, NM_021055.3); c.3830dup, p.Tyr1278fs (NM_001406663.1); c.3233dup, p.Tyr1079fs (NM_001406680.1); c.2360dup, p.Tyr788fs (NM_001406690.1); c.2357dup, p.Tyr787fs (NM_001406691.1); c.2341+656dup (NM_001406693.1, NM_001406692.1, NM_001406694.1); and 25 more; short protein forms Y1035fs, Y1079fs, Y1235fs, Y1236fs, Y1278fs, Y1279fs, Y787fs, Y788fs.
Identifiers: ClinVar variation 3251981 (VCV003251981.2), dbSNP rs2544189947.